The following is an entry in ClinVar:

ClinVar aggregate classification (germline): Pathogenic (1 of 4 stars; one submission).

Submission:

Labcorp Genetics (formerly Invitae), Labcorp
Classification: Pathogenic. Last evaluated: 2024-03-28. Review status: criteria provided, single submitter. Criteria: Invitae Variant Classification Sherloc (09022015). Collection method: clinical testing. Allele origin: germline.
Comment: This sequence change creates a premature translational stop signal (p.Glu308Serfs*4) in the TUBGCP6 gene. It is expected to result in an absent or disrupted protein product. Loss-of-function variants in TUBGCP6 are known to be pathogenic (PMID: 25344692). This variant is not present in population databases (gnomAD no frequency). This variant has not been reported in the literature in individuals affected with TUBGCP6-related conditions. For these reasons, this variant has been classified as Pathogenic.

Literature cited by the submitters: PubMed 25344692.

NM_020461.4(TUBGCP6):c.921_924del (p.Glu308fs)

Gene: TUBGCP6 (tubulin gamma complex component 6; minus strand). Cytogenetic location: 22q13.33.
Variant type: Microsatellite.
Coding change: c.921_924del on transcript NM_020461.4 (MANE Select); coding-DNA positions 921 to 924, 4 bases deleted (AGAG; older notation c.921_924delAGAG).
Protein change: p.Glu308fs; shifts the reading frame from glutamic acid 308.
Molecular consequence: frameshift variant.
Genome position (GRCh38, 1-based): chr22:50,233,508-50,233,511, CTCT deleted on the plus strand (AGAG on the coding strand, the reverse complement: TUBGCP6 is on the minus strand); deleting any 4 consecutive bases within chr22:50,233,508-50,233,513 gives the same sequence; the c. name uses the placement nearest the transcript's 3' end. VCF-style (leftmost placement, unchanged base first): chr22-50233507-CCTCT-C. GRCh37 (hg19) VCF-style: chr22-50671936-CCTCT-C.
Other names: short protein forms E308fs.
Identifiers: ClinVar variation 3701710 (VCV003701710.2).
Genomic context (GRCh38, chr22:50,233,507, plus strand): 5'-CTTGGTGGAGCCTGCAGAACTTGTCGAAAGCGTCCCTTCCCGCCTCCGTCAGGTAAGGCT[CCTCT>C]CTGTGGCCAGGGGGGCTGCGAGGGGTGCAGAAGAGAGGCCATGAGCAGACGTGGTGACCT-3'